The following is an entry in ClinVar:

NM_000497.4(CYP11B1):c.1399-14G>A

Genes: CYP11B1 (cytochrome P450 family 11 subfamily B member 1; minus strand), LOC106799833 (CYP11B1 recombination region; plus strand). Cytogenetic location: 8q24.3.
Variant type: single nucleotide variant.
Coding change: c.1399-14G>A on transcript NM_000497.4 (MANE Select); 14 bases into the intron before coding-DNA position 1399, G replaced by A.
Molecular consequence: intron variant.
Genome position (GRCh38, 1-based): chr8:142,874,500, C>T on the plus strand (G>A on the coding strand, the complement: CYP11B1 is on the minus strand). VCF-style: chr8-142874500-C-T. GRCh37 (hg19) VCF-style: chr8-143955916-C-T.
Other names: c.1201-14G>A (NM_001026213.1).
Identifiers: ClinVar variation 931327 (VCV000931327.3), dbSNP rs5295, ClinGen allele CA1139660801.
Genomic context (GRCh38, chr8:142,874,500, plus strand): 5'-TTTATGTCCTCTTGGGTTAGTGTCTCCACCTGGAGGTGTTTCAGCACCTAGGACAGAAGC[C>T]GGGTTTCCATCTGGCTTGGTCCGCAGCCCATGCACGTGGTGCAGCCTTCTCAGACCCTCA-3'

ClinVar aggregate classification (germline): Uncertain significance (1 of 4 stars; one submission).

Conditions:
Glucocorticoid-remediable aldosteronism. Also called: Hyperaldosteronism, familial, type I; ACTH-DEPENDENT HYPERALDOSTERONISM SYNDROME; ALDOSTERONISM, SENSITIVE TO DEXAMETHASONE; FH I; GLUCOCORTICOID-SUPPRESSIBLE HYPERALDOSTERONISM. Identifiers: Orphanet 403, MedGen C3838731, MONDO:0007080, OMIM 103900.

gnomAD v4.1: 4 of 1,588,404 alleles (0.00025%); highest among the groups gnomAD compares: East Asian, 0.0022%; no homozygotes.

Submission:

Centre for Mendelian Genomics, University Medical Centre Ljubljana
Classification: Uncertain significance for Glucocorticoid-remediable aldosteronism. Last evaluated: 2019-01-29. Review status: criteria provided, single submitter. Criteria: ACMG Guidelines, 2015. Collection method: clinical testing. Allele origin: unknown. Affected: yes.
Comment: This variant was classified as: Uncertain significance. The available evidence on this variant's pathogenicity is insufficient or conflicting. The following ACMG criteria were applied in classifying this variant: PM2,BP4.